The following is an entry in ClinVar:

ClinVar aggregate classification (germline): Likely benign. Review status: criteria provided, multiple submitters, no conflicts (2 of 4 stars). 2 submissions from 2 submitters: Likely benign (2). Last evaluated 2024-07-03.

Allele frequency attached by ClinVar (database versions not stated): gnomAD exomes 0.00001; ExAC 0.00004; TOPMed 0.00001; gnomAD 0.00001.
gnomAD v4.1: 23 of 1,590,956 alleles (0.0014%); highest among the groups gnomAD compares: Non-Finnish European, 0.0017%; no homozygotes.

Submissions (2):

Labcorp Genetics (formerly Invitae), Labcorp
Classification: Likely benign. Last evaluated: 2024-07-03. Review status: criteria provided, single submitter. Criteria: Invitae Variant Classification Sherloc (09022015). Collection method: clinical testing. Allele origin: germline.

GeneDx
Classification: Likely benign. Last evaluated: 2017-01-09. Review status: criteria provided, single submitter. Criteria: GeneDx Variant Classification (06012015). Collection method: clinical testing. Allele origin: germline. Affected: yes.
Comment: This variant is considered likely benign or benign based on one or more of the following criteria: it is a conservative change, it occurs at a poorly conserved position in the protein, it is predicted to be benign by multiple in silico algorithms, and/or has population frequency not consistent with disease.

NM_203486.3(DLL3):c.309G>A (p.Leu103=)

Gene: DLL3 (delta like canonical Notch ligand 3; plus strand). Cytogenetic location: 19q13.2.
Variant type: single nucleotide variant.
Coding change: c.309G>A on transcript NM_203486.3 (MANE Select); coding-DNA position 309, G replaced by A.
Protein change: p.Leu103=; no amino-acid change (leucine 103 retained).
Molecular consequence: synonymous variant.
Genome position (GRCh38, 1-based): chr19:39,499,431, G>A. VCF-style: chr19-39499431-G-A. GRCh37 (hg19) VCF-style: chr19-39990071-G-A.
Other names: c.309G>A, p.Leu103= (NM_016941.4).
Identifiers: ClinVar variation 392716 (VCV000392716.11), dbSNP rs777915948, ClinGen allele CA9432156.
Genomic context (GRCh38, chr19:39,499,431, plus strand): 5'-GAGTGCGCGCGGACCGGTCTACACCGAGCAGCCCGGAGCGCCCGCGCCTGATCTCCCACT[G>A]CCCGACGGCCTCTTGCAGGTGCCCTTCCGGGACGCCTGGCCTGTAAGTGCTGCCCCCGGG-3'
Protein context (NP_982353.1, residues 93-113): QPGAPAPDLP[Leu103=]PDGLLQVPFR